The following is an entry in ClinVar:

NM_001374736.1(DST):c.20384A>G (p.Asn6795Ser)

Gene: DST (dystonin; minus strand). Cytogenetic location: 6p12.1.
Variant type: single nucleotide variant.
Coding change: c.20384A>G on transcript NM_001374736.1 (MANE Select); coding-DNA position 20384, A replaced by G.
Protein change: p.Asn6795Ser; replaces asparagine 6795 with serine.
Molecular consequence: missense variant.
Genome position (GRCh38, 1-based): chr6:56,494,020, T>C on the plus strand (A>G on the coding strand, the complement: DST is on the minus strand). VCF-style: chr6-56494020-T-C. GRCh37 (hg19) VCF-style: chr6-56358818-T-C.
Other names: c.14027A>G, p.Asn4676Ser (NM_001144769.5); c.13613A>G, p.Asn4538Ser (NM_001144770.2); c.20384A>G, p.Asn6795Ser (NM_001374722.1); c.19424A>G, p.Asn6475Ser (NM_001374729.1); c.13166A>G, p.Asn4389Ser (NM_001374730.1); c.20411A>G, p.Asn6804Ser (NM_001374734.1); c.13493A>G, p.Asn4498Ser (NM_001386100.1, NM_183380.4); c.12515A>G, p.Asn4172Ser (NM_015548.5); short protein forms N4389S, N4538S, N6795S, N4172S, N4498S, N4676S, N6804S, N6475S.
Identifiers: ClinVar variation 1418805 (VCV001418805.7), dbSNP rs749808366, ClinGen allele CA3866768.
Genomic context (GRCh38, chr6:56,494,020, plus strand): 5'-ACATGAAACAACTAAAACACTGATTCTATTATATTAATCAAAGCACATACTTTCCTTTCA[T>C]TGAGTTTGGTTTCCACCGATTCCCATTTTTCTTTCAAGTTATTTATGTCTTGGTCAATAT-3'
Protein context (NP_001361665.1, residues 6785-6805): EKWESVETKL[Asn6795Ser]ERKTKLEEAL

ClinVar aggregate classification (germline): Uncertain significance. Review status: criteria provided, multiple submitters, no conflicts (2 of 4 stars). 2 submissions from 2 submitters: Uncertain significance (2). Last evaluated 2022-04-03.

Conditions:
Inborn genetic diseases. Identifiers: MedGen C0950123, MeSH D030342.
Epidermolysis bullosa simplex 3, localized or generalized intermediate, with BP230 deficiency (EBS3). Also called: Epidermolysis bullosa simplex due to BP230 deficiency; Epidermolysis bullosa simplex, autosomal recessive 2. Identifiers: Orphanet 412181, MedGen C3809470, MONDO:0014180, OMIM 615425.
Hereditary sensory and autonomic neuropathy type 6. Also called: Neuropathy, hereditary sensory and autonomic, type VI; HSAN VI. Identifiers: Orphanet 314381, MedGen C3539003, MONDO:0013839, OMIM 614653.

Allele frequency attached by ClinVar (database versions not stated): gnomAD exomes below 0.00001; TOPMed below 0.00001; ExAC 0.00001.
gnomAD v4.1: 1 of 1,589,648 alleles (0.000063%); highest among the groups gnomAD compares: Non-Finnish European, 0.000086%; no homozygotes.

Submissions (2):

Labcorp Genetics (formerly Invitae), Labcorp
Classification: Uncertain significance for Epidermolysis bullosa simplex 3, localized or generalized intermediate, with BP230 deficiency; Hereditary sensory and autonomic neuropathy type 6. Last evaluated: 2022-04-03. Review status: criteria provided, single submitter. Criteria: Invitae Variant Classification Sherloc (09022015). Collection method: clinical testing. Allele origin: germline.
Comment: The DST gene has multiple clinically relevant transcripts. This variant occurs in alternate transcript NM_015548.4, and corresponds to NM_001723.5:c.*121497A>G in the primary transcript. This sequence change replaces asparagine, which is neutral and polar, with serine, which is neutral and polar, at codon 4172 of the DST protein (p.Asn4172Ser). This variant is present in population databases (rs749808366, gnomAD 0.0009%). This variant has not been reported in the literature in individuals affected with DST-related conditions. Experimental studies and prediction algorithms are not available or were not evaluated, and the functional significance of this variant is currently unknown. In summary, the available evidence is currently insufficient to determine the role of this variant in disease. Therefore, it has been classified as a Variant of Uncertain Significance.

Ambry Genetics
Classification: Uncertain significance for Inborn genetic diseases. Last evaluated: 2020-09-02. Review status: criteria provided, single submitter. Criteria: Ambry Variant Classification Scheme 2023. Collection method: clinical testing. Allele origin: germline.
Comment: The p.N4676S variant (also known as c.14027A>G), located in coding exon 77 of the DST gene, results from an A to G substitution at nucleotide position 14027. The asparagine at codon 4676 is replaced by serine, an amino acid with highly similar properties. This amino acid position is not well conserved in available vertebrate species. In addition, this alteration is predicted to be tolerated by in silico analysis. Since supporting evidence is limited at this time, the clinical significance of this alteration remains unclear.